The following is an entry in ClinVar:

ClinVar aggregate classification (germline): Benign/Likely benign. Review status: criteria provided, multiple submitters, no conflicts (2 of 4 stars). 5 submissions from 5 submitters: Benign (1); Likely benign (4). Last evaluated 2026-05-15.

Conditions:
Hereditary cancer-predisposing syndrome. Also called: Tumor predisposition; Hereditary neoplastic syndrome; Neoplastic Syndromes, Hereditary; Hereditary Cancer Syndrome. Identifiers: Orphanet 140162, MedGen C0027672, MeSH D009386, MONDO:0015356.
Neurofibromatosis, type 1 (NF1). Also called: Neurofibromatosis, type I; NEUROFIBROMATOSIS, TYPE I, SOMATIC; VON RECKLINGHAUSEN DISEASE; Peripheral type neurofibromatosis. Identifiers: Orphanet 636, MedGen C0027831, MONDO:0018975, OMIM 162200. Disease mechanism: loss of function.

Allele frequency attached by ClinVar (database versions not stated): ExAC 0.00002; gnomAD exomes 0.00001; TOPMed 0.00001.
gnomAD v4.1: 9 of 1,613,774 alleles (0.00056%); highest among the groups gnomAD compares: African/African-American, 0.0067%; no homozygotes.

Submissions (5):

Myriad Genetics, Inc.
Classification: Benign for Neurofibromatosis, type 1. Last evaluated: 2026-05-15. Review status: criteria provided, single submitter. Criteria: Myriad Autosomal Dominant, Autosomal Recessive and X-Linked Classification Criteria (2023). Collection method: clinical testing. Allele origin: unknown.
Comment: This variant is considered benign. This variant is a silent/synonymous amino acid change and it is not expected to impact splicing.

Labcorp Genetics (formerly Invitae), Labcorp
Classification: Likely benign for Neurofibromatosis, type 1. Last evaluated: 2025-10-11. Review status: criteria provided, single submitter. Criteria: Invitae Variant Classification Sherloc (09022015). Collection method: clinical testing. Allele origin: germline.

Women's Health and Genetics/Laboratory Corporation of America, LabCorp
Classification: Likely benign. Last evaluated: 2025-10-07. Review status: criteria provided, single submitter. Criteria: LabCorp Variant Classification Summary - May 2015. Collection method: clinical testing. Allele origin: germline.

Genome-Nilou Lab
Classification: Likely benign for Neurofibromatosis, type 1. Last evaluated: 2022-03-15. Review status: criteria provided, single submitter. Criteria: ACMG Guidelines, 2015. Collection method: clinical testing. Allele origin: germline. Affected: no.

Ambry Genetics
Classification: Likely benign for Hereditary cancer-predisposing syndrome. Last evaluated: 2014-04-30. Review status: criteria provided, single submitter. Criteria: Ambry Autosomal Dominant and X-Linked criteria (10/2015). Collection method: clinical testing. Allele origin: germline. Observed: 1 variant allele.

Literature cited by the submitters: PubMed 10678181 (cited by Women's Health and Genetics/Laboratory Corporation of America, LabCorp); PubMed 23460398 (cited by Women's Health and Genetics/Laboratory Corporation of America, LabCorp); PubMed 29872168 (cited by Women's Health and Genetics/Laboratory Corporation of America, LabCorp); PubMed 27069254 (cited by Women's Health and Genetics/Laboratory Corporation of America, LabCorp).

NM_001042492.3(NF1):c.1926A>G (p.Gln642=)

Gene: NF1 (neurofibromin 1; plus strand). Cytogenetic location: 17q11.2.
Variant type: single nucleotide variant.
Coding change: c.1926A>G on transcript NM_001042492.3 (MANE Select); coding-DNA position 1926, A replaced by G.
Protein change: p.Gln642=; no amino-acid change (glutamine 642 retained).
Molecular consequence: synonymous variant.
Genome position (GRCh38, 1-based): chr17:31,225,175, A>G. VCF-style: chr17-31225175-A-G. GRCh37 (hg19) VCF-style: chr17-29552193-A-G.
Other names: c.1926A>G, p.Gln642= (NM_000267.4).
Identifiers: ClinVar variation 184758 (VCV000184758.12), dbSNP rs774806150, ClinGen allele CA189961.